The following is an entry in ClinVar:

ClinVar aggregate classification (germline): Pathogenic (1 of 4 stars; one submission).

Conditions:
Nemaline myopathy 5 (NEM5A). Also called: NEMALINE MYOPATHY, AMISH TYPE; NEMALINE MYOPATHY 5A, AUTOSOMAL RECESSIVE, SEVERE INFANTILE; Nemaline myopathy 5, Amish type. Identifiers: Orphanet 98902, MedGen C1854380, MONDO:0011539, OMIM 605355.

Submission:

Labcorp Genetics (formerly Invitae), Labcorp
Classification: Pathogenic for Nemaline myopathy 5. Last evaluated: 2022-03-01. Review status: criteria provided, single submitter. Criteria: Invitae Variant Classification Sherloc (09022015). Collection method: clinical testing. Allele origin: germline.
Comment: This variant has not been reported in the literature in individuals affected with TNNT1-related conditions. This variant is not present in population databases (gnomAD no frequency). This sequence change creates a premature translational stop signal (p.Glu21Glyfs*42) in the TNNT1 gene. It is expected to result in an absent or disrupted protein product. Loss-of-function variants in TNNT1 are known to be pathogenic (PMID: 10952871, 24689076, 25430424). For these reasons, this variant has been classified as Pathogenic.

Literature cited by the submitters: PubMed 10952871; PubMed 24689076; PubMed 25430424.

NM_003283.6(TNNT1):c.61dup (p.Glu21fs)

Gene: TNNT1 (troponin T1, slow skeletal type; minus strand). Cytogenetic location: 19q13.42.
Variant type: Duplication.
Coding change: c.61dup on transcript NM_003283.6 (MANE Select); coding-DNA position 61, one base duplicated (G; older notation c.61dupG).
Protein change: p.Glu21fs; shifts the reading frame from glutamic acid 21.
Molecular consequence: frameshift variant.
Genome position (GRCh38, 1-based): chr19:55,146,693, C duplicated on the plus strand (G on the coding strand, the reverse complement: TNNT1 is on the minus strand); the first of 2 consecutive C bases (chr19:55,146,693-55,146,694); duplicating either gives the same sequence. VCF-style (leftmost placement, unchanged base first): chr19-55146692-T-TC. GRCh37 (hg19) VCF-style: chr19-55658060-T-TC.
Other names: c.61dup, p.Glu21fs (NM_001126132.3, NM_001126133.3, NM_001291774.2); short protein forms E21fs.
Identifiers: ClinVar variation 2104989 (VCV002104989.4), dbSNP rs2085561415, ClinGen allele CA997239029.